The following is an entry in ClinVar:

NM_000179.3(MSH6):c.3222G>A (p.Met1074Ile)

Gene: MSH6 (mutS homolog 6; plus strand). Cytogenetic location: 2p16.3.
Variant type: single nucleotide variant.
Coding change: c.3222G>A on transcript NM_000179.3 (MANE Select); coding-DNA position 3222, G replaced by A.
Protein change: p.Met1074Ile; replaces methionine 1074 with isoleucine.
Molecular consequence: missense variant.
Genome position (GRCh38, 1-based): chr2:47,803,469, G>A. VCF-style: chr2-47803469-G-A. GRCh37 (hg19) VCF-style: chr2-48030608-G-A.
Other names: c.2316G>A, p.Met772Ile (NM_001281493.2, NM_001281494.2); c.2832G>A, p.Met944Ile (NM_001281492.2); c.3222G>A (NM_000179.2); short protein forms M1074I, M772I, M944I.
Identifiers: ClinVar variation 973405 (VCV000973405.3), dbSNP rs1378407358, ClinGen allele CA346757999.

ClinVar aggregate classification (germline): Uncertain significance. Review status: criteria provided, single submitter (1 of 4 stars). 2 submissions from 2 submitters: Uncertain significance (1). 1 of the submissions does not count toward it. Last evaluated 2022-01-30.

Conditions:
Hereditary cancer-predisposing syndrome. Also called: Hereditary Cancer Syndrome; Hereditary neoplastic syndrome; Tumor predisposition; Neoplastic Syndromes, Hereditary. Identifiers: Orphanet 140162, MedGen C0027672, MeSH D009386, MONDO:0015356.
Lynch-like syndrome.

Submissions (2):

Ambry Genetics
Classification: Uncertain significance for Hereditary cancer-predisposing syndrome. Last evaluated: 2022-01-30. Review status: criteria provided, single submitter. Criteria: Ambry Variant Classification Scheme 2023. Collection method: clinical testing. Allele origin: germline.
Comment: The p.M1074I variant (also known as c.3222G>A), located in coding exon 5 of the MSH6 gene, results from a G to A substitution at nucleotide position 3222. The methionine at codon 1074 is replaced by isoleucine, an amino acid with highly similar properties. This amino acid position is conserved. In addition, the in silico prediction for this alteration is inconclusive. Since supporting evidence is limited at this time, the clinical significance of this alteration remains unclear.

Constitutional Genetics Lab, Leon Berard Cancer Center
Classification: Uncertain significance for Lynch-like syndrome. Last evaluated: 2019-07-01. Review status: no assertion criteria provided. Collection method: clinical testing. Allele origin: somatic. Affected: yes. Not counted in ClinVar's aggregate classification.